The following is an entry in ClinVar:

ClinVar aggregate classification (germline): Uncertain significance (1 of 4 stars; one submission).

Submission:

Labcorp Genetics (formerly Invitae), Labcorp
Classification: Uncertain significance. Last evaluated: 2024-12-17. Review status: criteria provided, single submitter. Criteria: Invitae Variant Classification Sherloc (09022015). Collection method: clinical testing. Allele origin: germline.
Comment: This sequence change replaces cysteine, which is neutral and slightly polar, with arginine, which is basic and polar, at codon 53 of the ACVR1 protein (p.Cys53Arg). This variant is not present in population databases (gnomAD no frequency). This variant has not been reported in the literature in individuals affected with ACVR1-related conditions. An algorithm developed to predict the effect of missense changes on protein structure and function (PolyPhen-2) suggests that this variant is likely to be disruptive. In summary, the available evidence is currently insufficient to determine the role of this variant in disease. Therefore, it has been classified as a Variant of Uncertain Significance.

NM_001111067.4(ACVR1):c.157T>C (p.Cys53Arg)

Gene: ACVR1 (activin A receptor type 1; minus strand). Cytogenetic location: 2q24.1.
Variant type: single nucleotide variant.
Coding change: c.157T>C on transcript NM_001111067.4 (MANE Select); coding-DNA position 157, T replaced by C.
Protein change: p.Cys53Arg; replaces cysteine 53 with arginine.
Molecular consequence: missense variant.
Genome position (GRCh38, 1-based): chr2:157,780,511, A>G on the plus strand (T>C on the coding strand, the complement: ACVR1 is on the minus strand). VCF-style: chr2-157780511-A-G. GRCh37 (hg19) VCF-style: chr2-158637023-A-G.
Other names: c.157T>C, p.Cys53Arg (NM_001105.5, NM_001347663.1, NM_001347664.1 and 3 more transcripts); short protein forms C53R.
Identifiers: ClinVar variation 3727542 (VCV003727542.2).